The following is an entry in ClinVar:

NM_006172.4(NPPA):c.83T>A (p.Met28Lys)

Genes: NPPA (natriuretic peptide A; minus strand), NPPA-AS1 (NPPA antisense RNA 1; plus strand), LOC114827827 (VISTA enhancer hs2123; plus strand). Cytogenetic location: 1p36.22.
Variant type: single nucleotide variant.
Coding change: c.83T>A on transcript NM_006172.4 (MANE Select); coding-DNA position 83, T replaced by A.
Protein change: p.Met28Lys; replaces methionine 28 with lysine.
Molecular consequence: missense variant. On other transcripts: non-coding transcript variant (1).
Genome position (GRCh38, 1-based): chr1:11,847,602, A>T on the plus strand (T>A on the coding strand, the complement: NPPA is on the minus strand). VCF-style: chr1-11847602-A-T. GRCh37 (hg19) VCF-style: chr1-11907659-A-T.
Other names: short protein forms M28K.
Identifiers: ClinVar variation 3667641 (VCV003667641.2).

ClinVar aggregate classification (germline): Uncertain significance (1 of 4 stars; one submission).

Conditions:
Atrial fibrillation, familial, 6 (ATFB6). Identifiers: MedGen C2677294, MONDO:0012816, OMIM 612201.

gnomAD v4.1: 17 of 1,614,112 alleles (0.0011%); highest among the groups gnomAD compares: Non-Finnish European, 0.0014%; no homozygotes.

Submission:

Labcorp Genetics (formerly Invitae), Labcorp
Classification: Uncertain significance for Atrial fibrillation, familial, 6. Last evaluated: 2024-08-04. Review status: criteria provided, single submitter. Criteria: Invitae Variant Classification Sherloc (09022015). Collection method: clinical testing. Allele origin: germline.
Comment: This sequence change replaces methionine, which is neutral and non-polar, with lysine, which is basic and polar, at codon 28 of the NPPA protein (p.Met28Lys). This variant is not present in population databases (gnomAD no frequency). This variant has not been reported in the literature in individuals affected with NPPA-related conditions. An algorithm developed to predict the effect of missense changes on protein structure and function (PolyPhen-2) suggests that this variant is likely to be tolerated. In summary, the available evidence is currently insufficient to determine the role of this variant in disease. Therefore, it has been classified as a Variant of Uncertain Significance.